The following is an entry in ClinVar:

NM_021813.4(BACH2):c.431G>A (p.Arg144Gln)

Gene: BACH2 (BACH transcriptional regulator 2; minus strand). Cytogenetic location: 6q15.
Variant type: single nucleotide variant.
Coding change: c.431G>A on transcript NM_021813.4 (MANE Select); coding-DNA position 431, G replaced by A.
Protein change: p.Arg144Gln; replaces arginine 144 with glutamine.
Molecular consequence: missense variant.
Genome position (GRCh38, 1-based): chr6:89,951,675, C>T on the plus strand (G>A on the coding strand, the complement: BACH2 is on the minus strand). VCF-style: chr6-89951675-C-T. GRCh37 (hg19) VCF-style: chr6-90661394-C-T.
Other names: c.431G>A (NM_021813.2); c.431G>A, p.Arg144Gln (NM_001170794.2); short protein forms R144Q.
Identifiers: ClinVar variation 1402476 (VCV001402476.7), dbSNP rs142517589, ClinGen allele CA3928172.

ClinVar aggregate classification (germline): Uncertain significance. Review status: criteria provided, multiple submitters, no conflicts (2 of 4 stars). 2 submissions from 2 submitters: Uncertain significance (2). Last evaluated 2025-12-21.

Allele frequency attached by ClinVar (database versions not stated): TOPMed 0.00006; gnomAD 0.00007 and 0.00008; gnomAD exomes 0.00011 and 0.00012; ExAC 0.00012; ESP Exome Variant Server 0.00015.
gnomAD v4.1: 180 of 1,614,114 alleles (0.011%); highest among the groups gnomAD compares: Non-Finnish European, 0.014%; no homozygotes.

Submissions (2):

Labcorp Genetics (formerly Invitae), Labcorp
Classification: Uncertain significance. Last evaluated: 2025-12-21. Review status: criteria provided, single submitter. Criteria: Invitae Variant Classification Sherloc (09022015). Collection method: clinical testing. Allele origin: germline.
Comment: This sequence change replaces arginine, which is basic and polar, with glutamine, which is neutral and polar, at codon 144 of the BACH2 protein (p.Arg144Gln). This variant is present in population databases (rs142517589, gnomAD 0.01%). This variant has not been reported in the literature in individuals affected with BACH2-related conditions. ClinVar contains an entry for this variant (Variation ID: 1402476). Invitae Evidence Modeling of protein sequence and biophysical properties (such as structural, functional, and spatial information, amino acid conservation, physicochemical variation, residue mobility, and thermodynamic stability) indicates that this missense variant is not expected to disrupt BACH2 protein function with a negative predictive value of 80%. In summary, the available evidence is currently insufficient to determine the role of this variant in disease. Therefore, it has been classified as a Variant of Uncertain Significance.

Ambry Genetics
Classification: Uncertain significance. Last evaluated: 2025-06-03. Review status: criteria provided, single submitter. Criteria: Ambry Variant Classification Scheme 2023. Collection method: clinical testing. Allele origin: germline.